The following is an entry in ClinVar:

NM_001142800.2(EYS):c.3681dup (p.Met1228fs)

Gene: EYS (EGF-like photoreceptor maintenance factor; minus strand). Cytogenetic location: 6q12.
Variant type: Duplication.
Coding change: c.3681dup on transcript NM_001142800.2 (MANE Select); coding-DNA position 3681, one base duplicated (T; older notation c.3681dupT).
Protein change: p.Met1228fs; shifts the reading frame from methionine 1228.
Molecular consequence: frameshift variant.
Genome position (GRCh38, 1-based): chr6:64,617,421, A duplicated on the plus strand (T on the coding strand, the reverse complement: EYS is on the minus strand); the first of 3 consecutive A bases (chr6:64,617,421-64,617,423); duplicating any one gives the same sequence. VCF-style (leftmost placement, unchanged base first): chr6-64617420-T-TA. GRCh37 (hg19) VCF-style: chr6-65327313-T-TA.
Other names: c.3681dup, p.Met1228fs (NM_001292009.2); short protein forms M1228fs.
Identifiers: ClinVar variation 3389827 (VCV003389827.14).

ClinVar aggregate classification (germline): Pathogenic (1 of 4 stars; one submission).

Submission:

CeGaT Center for Human Genetics Tuebingen
Classification: Pathogenic. Last evaluated: 2024-10-01. Review status: criteria provided, single submitter. Criteria: CeGaT Center For Human Genetics Tuebingen Variant Classification Criteria Version 2. Collection method: clinical testing. Allele origin: germline. Affected: yes. Observed: 1 variant allele.
Comment: EYS: PVS1, PM2